The following is an entry in ClinVar:

NM_024408.4(NOTCH2):c.6098T>C (p.Phe2033Ser)

Gene: NOTCH2 (notch receptor 2; minus strand). Cytogenetic location: 1p12.
Variant type: single nucleotide variant.
Coding change: c.6098T>C on transcript NM_024408.4 (MANE Select); coding-DNA position 6098, T replaced by C.
Protein change: p.Phe2033Ser; replaces phenylalanine 2033 with serine.
Molecular consequence: missense variant.
Genome position (GRCh38, 1-based): chr1:119,916,624, A>G on the plus strand (T>C on the coding strand, the complement: NOTCH2 is on the minus strand). VCF-style: chr1-119916624-A-G. GRCh37 (hg19) VCF-style: chr1-120459247-A-G.
Other names: short protein forms F2033S.
Identifiers: ClinVar variation 3361891 (VCV003361891.1).
Genomic context (GRCh38, chr1:119,916,624, plus strand): 5'-CGATCCCGAGCCACATCCCGGGGAAGACGATCCATATGGTCTGTGATGTCTCGATTGGCA[A>G]AATGGTCTAACAGGATCTTGGCTGCTTCATAGCTCCCCTCCCGGGCAGCAAGAAACAGAG-3'
Protein context (NP_077719.2, residues 2023-2043): YEAAKILLDH[Phe2033Ser]ANRDITDHMD

ClinVar aggregate classification (germline): Uncertain significance (1 of 4 stars; one submission).

Submission:

GeneDx
Classification: Uncertain significance. Last evaluated: 2023-08-07. Review status: criteria provided, single submitter. Criteria: GeneDx Variant Classification Process June 2021. Collection method: clinical testing. Allele origin: germline. Affected: yes.
Comment: Not observed at significant frequency in large population cohorts (gnomAD); In silico analysis supports that this missense variant has a deleterious effect on protein structure/function; Has not been previously published as pathogenic or benign to our knowledge